The following is an entry in ClinVar:

NM_001378454.1(ALMS1):c.8496T>A (p.Asn2832Lys)

Gene: ALMS1 (ALMS1 centrosome and basal body associated protein; plus strand). Cytogenetic location: 2p13.1.
Variant type: single nucleotide variant.
Coding change: c.8496T>A on transcript NM_001378454.1 (MANE Select); coding-DNA position 8496, T replaced by A.
Protein change: p.Asn2832Lys; replaces asparagine 2832 with lysine.
Molecular consequence: missense variant.
Genome position (GRCh38, 1-based): chr2:73,490,455, T>A. VCF-style: chr2-73490455-T-A. GRCh37 (hg19) VCF-style: chr2-73717582-T-A.
Other names: c.8499T>A, p.Asn2833Lys (NM_015120.4); short protein forms N2832K, N2833K.
Identifiers: ClinVar variation 2144997 (VCV002144997.4), dbSNP rs202048689, ClinGen allele CA1714480.

ClinVar aggregate classification (germline): Conflicting classifications of pathogenicity. Review status: criteria provided, conflicting classifications (1 of 4 stars). 3 submissions from 3 submitters: Uncertain significance (2); Likely benign (1). Last evaluated 2025-06-16.

Conditions:
Alstrom syndrome (ALMS). Identifiers: Orphanet 64, MedGen C0268425, MONDO:0008763, OMIM 203800.

Allele frequency attached by ClinVar (database versions not stated): TOPMed 0.00001; gnomAD exomes 0.00004; gnomAD 0.00006; ExAC 0.00012.
gnomAD v4.1: 77 of 1,613,988 alleles (0.0048%); highest among the groups gnomAD compares: Non-Finnish European, 0.0014%; 1 homozygote.

Submissions (3):

Labcorp Genetics (formerly Invitae), Labcorp
Classification: Uncertain significance for Alstrom syndrome. Last evaluated: 2025-06-16. Review status: criteria provided, single submitter. Criteria: Invitae Variant Classification Sherloc (09022015). Collection method: clinical testing. Allele origin: germline.
Comment: This sequence change replaces asparagine, which is neutral and polar, with lysine, which is basic and polar, at codon 2833 of the ALMS1 protein (p.Asn2833Lys). This variant is present in population databases (rs202048689, gnomAD 0.08%). This variant has not been reported in the literature in individuals affected with ALMS1-related conditions. ClinVar contains an entry for this variant (Variation ID: 2144997). An algorithm developed to predict the effect of missense changes on protein structure and function outputs the following: PolyPhen-2: "Not Available". The lysine amino acid residue is found in multiple mammalian species, which suggests that this missense change does not adversely affect protein function. In summary, the available evidence is currently insufficient to determine the role of this variant in disease. Therefore, it has been classified as a Variant of Uncertain Significance.

Laboratory of Genetics, Children's Clinical University Hospital Latvia
Classification: Likely benign. Last evaluated: 2025-02-16. Review status: criteria provided, single submitter. Criteria: ACMG Guidelines, 2015. Collection method: clinical testing. Allele origin: germline. Affected: yes.

GeneDx
Classification: Uncertain significance. Last evaluated: 2024-10-04. Review status: criteria provided, single submitter. Criteria: GeneDx Variant Classification Process June 2021. Collection method: clinical testing. Allele origin: germline. Affected: yes.
Comment: In silico analysis supports that this missense variant has a deleterious effect on protein structure/function; Has not been previously published as pathogenic or benign to our knowledge